The following is an entry in ClinVar:

NM_000518.5(HBB):c.235C>G (p.Leu79Val)

Genes: HBB (hemoglobin subunit beta; minus strand), LOC106099062 (HBB recombination region; plus strand), LOC107133510 (origin of replication at HBB; plus strand). Cytogenetic location: 11p15.4.
Variant type: single nucleotide variant.
Coding change: c.235C>G on transcript NM_000518.5 (MANE Select); coding-DNA position 235, C replaced by G.
Protein change: p.Leu79Val; replaces leucine 79 with valine.
Molecular consequence: missense variant.
Genome position (GRCh38, 1-based): chr11:5,226,657, G>C on the plus strand (C>G on the coding strand, the complement: HBB is on the minus strand). VCF-style: chr11-5226657-G-C. GRCh37 (hg19) VCF-style: chr11-5247887-G-C.
Other names: short protein forms L79V.
Identifiers: ClinVar variation 3896213 (VCV003896213.2).

ClinVar aggregate classification (germline): Uncertain significance (1 of 4 stars; one submission).

Submission:

Women's Health and Genetics/Laboratory Corporation of America, LabCorp
Classification: Uncertain significance. Last evaluated: 2025-04-17. Review status: criteria provided, single submitter. Criteria: LabCorp Variant Classification Summary - May 2015. Collection method: clinical testing. Allele origin: germline.
Comment: Variant summary: HBB c.235C>G (p.Leu79Val), also reported as "Hb Ullevaal" using legacy nomenclature results in a conservative amino acid change in the encoded protein sequence. Three of five in-silico tools predict a benign effect of the variant on protein function. The variant was absent in 251428 control chromosomes. The available data on variant occurrences in the general population are insufficient to allow any conclusion about variant significance. To our knowledge, no occurrence of c.235C>G in individuals affected with HBB-related conditions and no experimental evidence demonstrating its impact on protein function have been reported. The following publications have been ascertained in the context of this evaluation (PMID: 38030031, 24274186, 17932132, 30328734, 27453201). No submitters have cited clinical-significance assessments for this variant to ClinVar. Based on the evidence outlined above, the variant was classified as uncertain significance.

Literature cited by the submitters: PubMed 17932132; PubMed 27453201; PubMed 38030031; PubMed 24274186; PubMed 30328734.